The following is an entry in ClinVar:

ClinVar aggregate classification (germline): Uncertain significance. Review status: criteria provided, multiple submitters, no conflicts (2 of 4 stars). 2 submissions from 2 submitters: Uncertain significance (2). Last evaluated 2024-11-13.

Conditions:
Inborn genetic diseases. Identifiers: MedGen C0950123, MeSH D030342.

Allele frequency attached by ClinVar (database versions not stated): gnomAD 0.00001; TOPMed 0.00001; ExAC 0.00002; gnomAD exomes 0.00002.
gnomAD v4.1: 31 of 1,614,120 alleles (0.0019%); highest among the groups gnomAD compares: Non-Finnish European, 0.0025%; no homozygotes.

Submissions (2):

Ambry Genetics
Classification: Uncertain significance for Inborn genetic diseases. Last evaluated: 2024-11-13. Review status: criteria provided, single submitter. Criteria: Ambry Variant Classification Scheme 2023. Collection method: clinical testing. Allele origin: germline.

GeneDx
Classification: Uncertain significance. Last evaluated: 2023-04-26. Review status: criteria provided, single submitter. Criteria: GeneDx Variant Classification Process June 2021. Collection method: clinical testing. Allele origin: germline. Affected: yes.
Comment: Not observed at significant frequency in large population cohorts (gnomAD); In silico analysis supports that this missense variant does not alter protein structure/function; Has not been previously published as pathogenic or benign to our knowledge

NM_057176.3(BSND):c.874G>A (p.Glu292Lys)

Gene: BSND (barttin CLCNK type accessory subunit beta; plus strand). Cytogenetic location: 1p32.3.
Variant type: single nucleotide variant.
Coding change: c.874G>A on transcript NM_057176.3 (MANE Select); coding-DNA position 874, G replaced by A.
Protein change: p.Glu292Lys; replaces glutamic acid 292 with lysine.
Molecular consequence: missense variant.
Genome position (GRCh38, 1-based): chr1:55,008,539, G>A. VCF-style: chr1-55008539-G-A. GRCh37 (hg19) VCF-style: chr1-55474212-G-A.
Other names: short protein forms E292K.
Identifiers: ClinVar variation 2663544 (VCV002663544.2), dbSNP rs267598659, ClinGen allele CA871436.